The following is an entry in ClinVar:

ClinVar aggregate classification (germline): Likely pathogenic (0 of 4 stars; one submission).

Allele frequency attached by ClinVar (database versions not stated): gnomAD 0.00004; ExAC 0.00005; TOPMed 0.00005; gnomAD exomes 0.00008.
gnomAD v4.1: 118 of 1,610,400 alleles (0.0073%); highest among the groups gnomAD compares: Admixed American, 0.015%; no homozygotes.

Submission:

Institute of Anatomy and Cell Biology, Medical Faculty, University Of Bonn
Classification: Likely pathogenic. Last evaluated: 2023-08-16. Review status: no assertion criteria provided. Collection method: clinical testing. Allele origin: inherited. Affected: yes.
Comment: This variant was observed in compound heterozygosity with variant c.3712C>T

NM_001407.3(CELSR3):c.7501G>A (p.Glu2501Lys)

Gene: CELSR3 (cadherin EGF LAG seven-pass G-type receptor 3; minus strand). Cytogenetic location: 3p21.31.
Variant type: single nucleotide variant.
Coding change: c.7501G>A on transcript NM_001407.3 (MANE Select); coding-DNA position 7501, G replaced by A.
Protein change: p.Glu2501Lys; replaces glutamic acid 2501 with lysine.
Molecular consequence: missense variant.
Genome position (GRCh38, 1-based): chr3:48,645,831, C>T on the plus strand (G>A on the coding strand, the complement: CELSR3 is on the minus strand). VCF-style: chr3-48645831-C-T. GRCh37 (hg19) VCF-style: chr3-48683264-C-T.
Other names: short protein forms E2501K.
Identifiers: ClinVar variation 2672064 (VCV002672064.1), dbSNP rs767046464, ClinGen allele CA2384147.